The following is an entry in ClinVar:

NM_000094.4(COL7A1):c.2314+15G>A

Gene: COL7A1 (collagen type VII alpha 1 chain; minus strand). Cytogenetic location: 3p21.31.
Variant type: single nucleotide variant.
Coding change: c.2314+15G>A on transcript NM_000094.4 (MANE Select); 15 bases into the intron after coding-DNA position 2314, G replaced by A.
Molecular consequence: intron variant.
Genome position (GRCh38, 1-based): chr3:48,589,312, C>T on the plus strand (G>A on the coding strand, the complement: COL7A1 is on the minus strand). VCF-style: chr3-48589312-C-T. GRCh37 (hg19) VCF-style: chr3-48626745-C-T.
Identifiers: ClinVar variation 255105 (VCV000255105.20), dbSNP rs144483183, ClinGen allele CA2380939.

ClinVar aggregate classification (germline): Benign. Review status: criteria provided, multiple submitters, no conflicts (2 of 4 stars). 7 submissions from 7 submitters: Benign (5). 2 of the submissions do not count toward it. Last evaluated 2026-02-04.

Conditions:
Epidermolysis bullosa dystrophica. Also called: Dystrophic epidermolysis bullosa, Hallopeau-Siemens type (formerly); Dystrophic epidermolysis bullosa. Identifiers: Orphanet 303, MedGen C0079294, MONDO:0006543.

Allele frequency attached by ClinVar (database versions not stated): 1000 Genomes Project 30x 0.01015; ExAC 0.02072; gnomAD 0.02132 and 0.02210; 1000 Genomes Project 0.01018; TOPMed 0.02003; gnomAD exomes 0.02009 and 0.03069; ESP Exome Variant Server 0.02676.
gnomAD v4.1: 47,758 of 1,611,772 alleles (3%); highest among the groups gnomAD compares: Non-Finnish European, 3.7%; 846 homozygotes.

Submissions (7):

Labcorp Genetics (formerly Invitae), Labcorp
Classification: Benign. Last evaluated: 2026-02-04. Review status: criteria provided, single submitter. Criteria: Invitae Variant Classification Sherloc (09022015). Collection method: clinical testing. Allele origin: germline.

Illumina Laboratory Services, Illumina
Classification: Benign for Dystrophic epidermolysis bullosa. Last evaluated: 2018-01-12. Review status: criteria provided, single submitter. Criteria: ICSL Variant Classification Criteria 13 December 2019. Collection method: clinical testing. Allele origin: germline.
Comment: This variant was observed in the ICSL laboratory as part of a predisposition screen in an ostensibly healthy population. It had not been previously curated by ICSL or reported in the Human Gene Mutation Database (HGMD: prior to June 1st, 2018), and was therefore a candidate for classification through an automated scoring system. Utilizing variant allele frequency, disease prevalence and penetrance estimates, and inheritance mode, an automated score was calculated to assess if this variant is too frequent to cause the disease. Based on the score and internal cut-off values, a variant classified as benign is not then subjected to further curation. The score for this variant resulted in a classification of benign for this disease.

GeneDx
Classification: Benign. Last evaluated: 2015-03-03. Review status: criteria provided, single submitter. Criteria: GeneDx Variant Classification Process June 2021. Collection method: clinical testing. Allele origin: germline. Affected: yes.

Breakthrough Genomics
Classification: Benign. Review status: criteria provided, single submitter. Criteria: ACMG Guidelines, 2015. Collection method: not provided. Allele origin: germline. Inheritance: Autosomal recessive inheritance. Affected: yes.

PreventionGenetics, part of Exact Sciences
Classification: Benign. Review status: criteria provided, single submitter. Criteria: ACMG Guidelines, 2015. Collection method: clinical testing. Allele origin: germline.

Genome Diagnostics Laboratory, Amsterdam University Medical Center
Classification: Benign. Review status: no assertion criteria provided. Collection method: clinical testing. Allele origin: germline. Affected: yes. Study: VKGL Data-share Consensus. Not counted in ClinVar's aggregate classification.

Joint Genome Diagnostic Labs from Nijmegen and Maastricht, Radboudumc and MUMC+
Classification: Benign. Review status: no assertion criteria provided. Collection method: clinical testing. Allele origin: germline. Affected: yes. Study: VKGL Data-share Consensus. Not counted in ClinVar's aggregate classification.